The following is an entry in ClinVar:

NM_001330574.2(ZNF711):c.1899_1901del (p.His633_Lys634delinsGln)

Gene: ZNF711 (zinc finger protein 711; plus strand). Cytogenetic location: Xq21.1.
Variant type: Deletion.
Coding change: c.1899_1901del on transcript NM_001330574.2 (MANE Select); coding-DNA positions 1899 to 1901, 3 bases deleted (TAA; older notation c.1899_1901delTAA).
Protein change: p.His633_Lys634delinsGln.
Molecular consequence: inframe indel.
Genome position (GRCh38, 1-based): chrX:85,271,303-85,271,305, TAA deleted; deleting any 3 consecutive bases within chrX:85,271,302-85,271,305 gives the same sequence; the c. name uses the placement nearest the transcript's 3' end. VCF-style (leftmost placement, unchanged base first): chrX-85271301-CATA-C. GRCh37 (hg19) VCF-style: chrX-84526307-CATA-C.
Other names: c.1899_1901del, p.His633_Lys634delinsGln (NM_001375431.1, NM_001375432.1, NM_001375433.1); c.1761_1763del, p.His587_Lys588delinsGln (NM_001375434.1, NM_001375435.1, NM_001375436.1 and 2 more transcripts).
Identifiers: ClinVar variation 3478067 (VCV003478067.2).
Genomic context (GRCh38, chrX:85,271,301, plus strand): 5'-TGTCCCCAAGCATTTGGTGATGAGAGGGAGCTTCAACGCCATCTGGATTTGTTTCAAGGA[CATA>C]AGACACACCAGTGTCCTCATTGTGACCATAAGAGCACCAATTCAAGTGACCTTAAGCGGC-3'

ClinVar aggregate classification (germline): Uncertain significance (1 of 4 stars; one submission).

Conditions:
Inborn genetic diseases. Identifiers: MedGen C0950123, MeSH D030342.

Submission:

Ambry Genetics
Classification: Uncertain significance for Inborn genetic diseases. Last evaluated: 2025-04-28. Review status: criteria provided, single submitter. Criteria: Ambry Variant Classification Scheme 2023. Collection method: clinical testing. Allele origin: germline.
Comment: The c.1761_1763delTAA (p.H587_K588delinsQ) alteration is located in exon 9 (coding exon 7) of the ZNF711 gene. This alteration consists of an in-frame deletion of 3 nucleotides between nucleotide positions c.1761 and c.1763. This results in the deletion of a histidine (H) and a lysine (K) residue at codons 587 and 588, and an insertion of a glutamine (Q) residue at codon 587. This variant was not reported in population-based cohorts in the Genome Aggregation Database (gnomAD). These amino acid positions are highly conserved in available vertebrate species. This alteration is predicted to be deleterious by in silico analysis (Choi, 2012). Based on insufficient or conflicting evidence, the clinical significance of this alteration remains unclear.